The following is an entry in ClinVar:

ClinVar aggregate classification (germline): Likely pathogenic (1 of 4 stars; one submission).

Conditions:
Ullrich congenital muscular dystrophy 1B (UCMD1B). Identifiers: MedGen C5935582, MONDO:0958235, OMIM 620727.

Submission:

Diagnostics Services (NGS), CSIR - Centre For Cellular And Molecular Biology
Classification: Likely pathogenic for Ullrich congenital muscular dystrophy 1B. Last evaluated: 2024-12-09. Review status: criteria provided, single submitter. Criteria: ACMG Guidelines, 2015. Collection method: clinical testing. Allele origin: germline. Affected: yes. Observed: 1 variant allele, 1 homozygote.
Comment: The c.1664dup variant is not present in publicly available population databases like 1000 Genomes, EVS, gnomAD, Indian Exome Database or our internal database. This variant has neither been published in literature in individuals with COL6A2-related conditions nor reported to the clinical databases like Human Genome Mutation Database (HGMD), ClinVar or OMIM, in any affected individuals. In-silico pathogenicity prediction programs like MutationTaster2, CADD, Varsome, Franklin etc predicted the variant to be likely deleterious. This variant causes frameshift at the 556th amino acid position of the wild-type transcript which creates a premature translational stop signal at the altered transcript that may either result in translation of a truncated protein or cause nonsense mediated decay of the mRNA.

NM_001849.4(COL6A2):c.1666dup (p.Glu556fs)

Gene: COL6A2 (collagen type VI alpha 2 chain; plus strand). Cytogenetic location: 21q22.3.
Variant type: Duplication.
Coding change: c.1666dup on transcript NM_001849.4 (MANE Select); coding-DNA position 1666, one base duplicated (G; older notation c.1666dupG).
Protein change: p.Glu556fs; shifts the reading frame from glutamic acid 556.
Molecular consequence: frameshift variant.
Genome position (GRCh38, 1-based): chr21:46,122,932, G duplicated. VCF-style (leftmost placement, unchanged base first): chr21-46122931-A-AG. GRCh37 (hg19) VCF-style: chr21-47542845-A-AG.
Other names: c.1666dup, p.Glu556fs (NM_058174.3, NM_058175.3); short protein forms E556fs.
Identifiers: ClinVar variation 3767987 (VCV003767987.1).